The following is an entry in ClinVar:

ClinVar aggregate classification (germline): Uncertain significance. Review status: criteria provided, multiple submitters, no conflicts (2 of 4 stars). 2 submissions from 2 submitters: Uncertain significance (2). Last evaluated 2024-10-17.

Allele frequency attached by ClinVar (database versions not stated): gnomAD exomes below 0.00001; ExAC 0.00001; TOPMed 0.00001.
gnomAD v4.1: 3 of 1,614,166 alleles (0.00019%); highest among the groups gnomAD compares: African/African-American, 0.0027%; no homozygotes.

Submissions (2):

Ambry Genetics
Classification: Uncertain significance. Last evaluated: 2024-10-17. Review status: criteria provided, single submitter. Criteria: Ambry Variant Classification Scheme 2023. Collection method: clinical testing. Allele origin: germline.

Labcorp Genetics (formerly Invitae), Labcorp
Classification: Uncertain significance. Last evaluated: 2021-11-06. Review status: criteria provided, single submitter. Criteria: Invitae Variant Classification Sherloc (09022015). Collection method: clinical testing. Allele origin: germline.
Comment: In summary, the available evidence is currently insufficient to determine the role of this variant in disease. Therefore, it has been classified as a Variant of Uncertain Significance. Algorithms developed to predict the effect of missense changes on protein structure and function are either unavailable or do not agree on the potential impact of this missense change (SIFT: "Tolerated"; PolyPhen-2: "Possibly Damaging"; Align-GVGD: "Class C0"). This variant has not been reported in the literature in individuals affected with SBF1-related conditions. This variant is present in population databases (rs780693875, gnomAD 0.0009%). This sequence change replaces histidine, which is basic and polar, with arginine, which is basic and polar, at codon 852 of the SBF1 protein (p.His852Arg).

NM_002972.4(SBF1):c.2555A>G (p.His852Arg)

Gene: SBF1 (SET binding factor 1; minus strand). Cytogenetic location: 22q13.33.
Variant type: single nucleotide variant.
Coding change: c.2555A>G on transcript NM_002972.4 (MANE Select); coding-DNA position 2555, A replaced by G.
Protein change: p.His852Arg; replaces histidine 852 with arginine.
Molecular consequence: missense variant.
Genome position (GRCh38, 1-based): chr22:50,461,961, T>C on the plus strand (A>G on the coding strand, the complement: SBF1 is on the minus strand). VCF-style: chr22-50461961-T-C. GRCh37 (hg19) VCF-style: chr22-50900390-T-C.
Other names: c.2558A>G, p.His853Arg (NM_001365819.1); c.2555A>G (NM_002972.2); short protein forms H852R, H853R.
Identifiers: ClinVar variation 1378521 (VCV001378521.5), dbSNP rs780693875, ClinGen allele CA10317176.